The following is an entry in ClinVar:

ClinVar aggregate classification (germline): Uncertain significance (1 of 4 stars; one submission).

Conditions:
Cardiovascular phenotype. Identifiers: MedGen CN230736.

Submission:

Ambry Genetics
Classification: Uncertain significance for Cardiovascular phenotype. Last evaluated: 2024-03-28. Review status: criteria provided, single submitter. Criteria: Ambry Variant Classification Scheme 2023. Collection method: clinical testing. Allele origin: germline.
Comment: The p.T3643S variant (also known as c.10928C>G), located in coding exon 2 of the ZNF469 gene, results from a C to G substitution at nucleotide position 10928. The threonine at codon 3643 is replaced by serine, an amino acid with similar properties. This amino acid position is conserved. In addition, this alteration is predicted to be tolerated by in silico analysis. Based on the available evidence, the clinical significance of this alteration remains unclear.

NM_001367624.2(ZNF469):c.11012C>G (p.Thr3671Ser)

Gene: ZNF469 (zinc finger protein 469; plus strand). Cytogenetic location: 16q24.2.
Variant type: single nucleotide variant.
Coding change: c.11012C>G on transcript NM_001367624.2 (MANE Select); coding-DNA position 11012, C replaced by G.
Protein change: p.Thr3671Ser; replaces threonine 3671 with serine.
Molecular consequence: missense variant.
Genome position (GRCh38, 1-based): chr16:88,438,482, C>G. VCF-style: chr16-88438482-C-G. GRCh37 (hg19) VCF-style: chr16-88504890-C-G.
Other names: NM_001127464.1:c.10928C>G; short protein forms T3671S.
Identifiers: ClinVar variation 3258202 (VCV003258202.1).
Genomic context (GRCh38, chr16:88,438,482, plus strand): 5'-CCTCAAGCCACATGGTGTCTGAGGGGGGGCCCCGAGGCGCCTTCCACAAGGGCAGCGCCA[C>G]CAAGCCTGCGGGCTGCCAGAGCTCATCAAAGGACAGGTCGGCAGCATCCACCCCCAGCAA-3'
Protein context (NP_001354553.1, residues 3661-3681): PRGAFHKGSA[Thr3671Ser]KPAGCQSSSK